The following is an entry in ClinVar:

ClinVar aggregate classification (germline): Uncertain significance (1 of 4 stars; one submission).

Conditions:
Aortic aneurysm, familial thoracic 7 (AAT7). Also called: AORTIC DISSECTION, FAMILIAL, WITH OR WITHOUT AORTIC ANEURYSM. Identifiers: MedGen C3151077, MONDO:0013418, OMIM 613780.

Submission:

Labcorp Genetics (formerly Invitae), Labcorp
Classification: Uncertain significance for Aortic aneurysm, familial thoracic 7. Last evaluated: 2024-06-12. Review status: criteria provided, single submitter. Criteria: Invitae Variant Classification Sherloc (09022015). Collection method: clinical testing. Allele origin: germline.
Comment: This sequence change replaces glutamic acid, which is acidic and polar, with lysine, which is basic and polar, at codon 319 of the MYLK protein (p.Glu319Lys). This variant is not present in population databases (gnomAD no frequency). This variant has not been reported in the literature in individuals affected with MYLK-related conditions. Advanced modeling of protein sequence and biophysical properties (such as structural, functional, and spatial information, amino acid conservation, physicochemical variation, residue mobility, and thermodynamic stability) performed at Invitae indicates that this missense variant is not expected to disrupt MYLK protein function with a negative predictive value of 95%. In summary, the available evidence is currently insufficient to determine the role of this variant in disease. Therefore, it has been classified as a Variant of Uncertain Significance.

NM_053025.4(MYLK):c.955G>A (p.Glu319Lys)

Gene: MYLK (myosin light chain kinase; minus strand). Cytogenetic location: 3q21.1.
Variant type: single nucleotide variant.
Coding change: c.955G>A on transcript NM_053025.4 (MANE Select); coding-DNA position 955, G replaced by A.
Protein change: p.Glu319Lys; replaces glutamic acid 319 with lysine.
Molecular consequence: missense variant.
Genome position (GRCh38, 1-based): chr3:123,734,041, C>T on the plus strand (G>A on the coding strand, the complement: MYLK is on the minus strand). VCF-style: chr3-123734041-C-T. GRCh37 (hg19) VCF-style: chr3-123452888-C-T.
Other names: c.427G>A, p.Glu143Lys (NM_001321309.2); c.955G>A, p.Glu319Lys (NM_053026.4, NM_053027.4, NM_053028.4); short protein forms E143K, E319K.
Identifiers: ClinVar variation 3635790 (VCV003635790.2).
Genomic context (GRCh38, chr3:123,734,041, plus strand): 5'-GAAGGACCGGGGTCTGCGGGGCCGTTCTGGGCGAGTCCTTGCATGACTCCAGCTTGGACT[C>T]CCTTGGGGGCTGAGGCTGGCTGTTTGCAGCCCAGGGTGGGGAGCCACCTCTCTGGGGGCT-3'
Protein context (NP_444253.3, residues 309-329): AANSQPQPPR[Glu319Lys]SKLESCKDSP